The following is an entry in ClinVar:

NM_005732.4(RAD50):c.2648G>A (p.Arg883His)

Gene: RAD50 (RAD50 double strand break repair protein; plus strand). Cytogenetic location: 5q31.1.
Variant type: single nucleotide variant.
Coding change: c.2648G>A on transcript NM_005732.4 (MANE Select); coding-DNA position 2648, G replaced by A.
Protein change: p.Arg883His; replaces arginine 883 with histidine.
Molecular consequence: missense variant.
Genome position (GRCh38, 1-based): chr5:132,604,929, G>A. VCF-style: chr5-132604929-G-A. GRCh37 (hg19) VCF-style: chr5-131940621-G-A.
Other names: short protein forms R883H.
Identifiers: ClinVar variation 186924 (VCV000186924.15), dbSNP rs775784158, ClinGen allele CA196251.

ClinVar aggregate classification (germline): Uncertain significance. Review status: criteria provided, multiple submitters, no conflicts (2 of 4 stars). 3 submissions from 3 submitters: Uncertain significance (3). Last evaluated 2025-04-14.

Conditions:
Hereditary cancer-predisposing syndrome. Also called: Neoplastic Syndromes, Hereditary; Tumor predisposition; Hereditary Cancer Syndrome; Hereditary neoplastic syndrome. Identifiers: Orphanet 140162, MedGen C0027672, MeSH D009386, MONDO:0015356.
Nijmegen breakage syndrome-like disorder (NBSLD). Also called: MICROCEPHALY AND SPONTANEOUS CHROMOSOME INSTABILITY WITHOUT IMMUNODEFICIENCY; NBS-LIKE DISORDER; RAD50 DEFICIENCY. Identifiers: Orphanet 240760, MedGen C2751318, MONDO:0013118, OMIM 613078.

Allele frequency attached by ClinVar (database versions not stated): TOPMed below 0.00001; ExAC 0.00001; gnomAD 0.00001; gnomAD exomes 0.00001 and 0.00002.
gnomAD v4.1: 26 of 1,613,824 alleles (0.0016%); highest among the groups gnomAD compares: African/African-American, 0.004%; no homozygotes.

Submissions (3):

Labcorp Genetics (formerly Invitae), Labcorp
Classification: Uncertain significance for Hereditary cancer-predisposing syndrome. Last evaluated: 2025-04-14. Review status: criteria provided, single submitter. Criteria: Invitae Variant Classification Sherloc (09022015). Collection method: clinical testing. Allele origin: germline.
Comment: This sequence change replaces arginine, which is basic and polar, with histidine, which is basic and polar, at codon 883 of the RAD50 protein (p.Arg883His). This variant is present in population databases (rs775784158, gnomAD 0.004%). This variant has not been reported in the literature in individuals affected with RAD50-related conditions. ClinVar contains an entry for this variant (Variation ID: 186924). Invitae Evidence Modeling of protein sequence and biophysical properties (such as structural, functional, and spatial information, amino acid conservation, physicochemical variation, residue mobility, and thermodynamic stability) indicates that this missense variant is not expected to disrupt RAD50 protein function with a negative predictive value of 80%. In summary, the available evidence is currently insufficient to determine the role of this variant in disease. Therefore, it has been classified as a Variant of Uncertain Significance.

Fulgent Genetics
Classification: Uncertain significance for Nijmegen breakage syndrome-like disorder. Last evaluated: 2024-03-20. Review status: criteria provided, single submitter. Criteria: ACMG Guidelines, 2015. Collection method: clinical testing. Allele origin: germline.

Ambry Genetics
Classification: Uncertain significance for Hereditary cancer-predisposing syndrome. Last evaluated: 2023-09-27. Review status: criteria provided, single submitter. Criteria: Ambry Variant Classification Scheme 2023. Collection method: clinical testing. Allele origin: germline.
Comment: The p.R883H variant (also known as c.2648G>A), located in coding exon 16 of the RAD50 gene, results from a G to A substitution at nucleotide position 2648. The arginine at codon 883 is replaced by histidine, an amino acid with highly similar properties. This amino acid position is not well conserved in available vertebrate species. In addition, this alteration is predicted to be tolerated by in silico analysis. Since supporting evidence is limited at this time, the clinical significance of this alteration remains unclear.

Literature cited by the submitters: PubMed 33471991 (cited by Ambry Genetics).